The following is an entry in ClinVar:

ClinVar aggregate classification (germline): Uncertain significance (1 of 4 stars; one submission).

Conditions:
Neuropathy, hereditary sensory, type 1F. Also called: HSN IF; Hereditary sensory neuropathy type IF. Identifiers: Orphanet 36386, MedGen C3810194, MONDO:0014286, OMIM 615632.

Submission:

Labcorp Genetics (formerly Invitae), Labcorp
Classification: Uncertain significance for Neuropathy, hereditary sensory, type 1F. Last evaluated: 2023-05-24. Review status: criteria provided, single submitter. Criteria: Invitae Variant Classification Sherloc (09022015). Collection method: clinical testing. Allele origin: germline.
Comment: In summary, the available evidence is currently insufficient to determine the role of this variant in disease. Therefore, it has been classified as a Variant of Uncertain Significance. Algorithms developed to predict the effect of sequence changes on RNA splicing suggest that this variant may disrupt the consensus splice site. This variant has not been reported in the literature in individuals affected with ATL3-related conditions. This variant is not present in population databases (gnomAD no frequency). This sequence change falls in intron 5 of the ATL3 gene. It does not directly change the encoded amino acid sequence of the ATL3 protein.

NM_015459.5(ATL3):c.562-11_562-9del

Genes: ATL3 (atlastin GTPase 3; minus strand), LNCROPM (lncRNA regulator of PLAAT3 mediated phospholipid metabolism; plus strand). Cytogenetic location: 11q13.1.
Variant type: Microsatellite.
Coding change: c.562-11_562-9del on transcript NM_015459.5 (MANE Select); 11 bases into the intron before coding-DNA position 562 through 9 bases into the intron before coding-DNA position 562, 3 bases deleted (CTT; older notation c.562-11_562-9delCTT).
Molecular consequence: intron variant.
Genome position (GRCh38, 1-based): chr11:63,646,572-63,646,574, AAG deleted on the plus strand (CTT on the coding strand, the reverse complement: ATL3 is on the minus strand); deleting any 3 consecutive bases within chr11:63,646,572-63,646,577 gives the same sequence; the c. name uses the placement nearest the transcript's 3' end. VCF-style (leftmost placement, unchanged base first): chr11-63646571-AAAG-A. GRCh37 (hg19) VCF-style: chr11-63414043-AAAG-A.
Other names: c.508-11_508-9del (NM_001290048.2).
Identifiers: ClinVar variation 2701775 (VCV002701775.3), dbSNP rs2495666282, ClinGen allele CA2697548615.